The following is an entry in ClinVar:

ClinVar aggregate classification (germline): Pathogenic (1 of 4 stars; one submission).

Submission:

Labcorp Genetics (formerly Invitae), Labcorp
Classification: Pathogenic. Last evaluated: 2023-02-01. Review status: criteria provided, single submitter. Criteria: Invitae Variant Classification Sherloc (09022015). Collection method: clinical testing. Allele origin: germline.
Comment: For these reasons, this variant has been classified as Pathogenic. This variant has not been reported in the literature in individuals affected with ERCC2-related conditions. This variant is not present in population databases (gnomAD no frequency). This sequence change creates a premature translational stop signal (p.His237Profs*4) in the ERCC2 gene. It is expected to result in an absent or disrupted protein product. Loss-of-function variants in ERCC2 are known to be pathogenic (PMID: 9238033, 11335038, 19085937, 19934020).

Literature cited by the submitters: PubMed 9238033; PubMed 11335038; PubMed 19085937; PubMed 19934020.

NM_000400.4(ERCC2):c.709dup (p.His237fs)

Gene: ERCC2 (ERCC excision repair 2, TFIIH core complex helicase subunit; minus strand). Cytogenetic location: 19q13.32.
Variant type: Duplication.
Coding change: c.709dup on transcript NM_000400.4 (MANE Select); coding-DNA position 709, one base duplicated (C; older notation c.709dupC).
Protein change: p.His237fs; shifts the reading frame from histidine 237.
Molecular consequence: frameshift variant.
Genome position (GRCh38, 1-based): chr19:45,364,433, G duplicated on the plus strand (C on the coding strand, the reverse complement: ERCC2 is on the minus strand); the first of 3 consecutive G bases (chr19:45,364,433-45,364,435); duplicating any one gives the same sequence. VCF-style (leftmost placement, unchanged base first): chr19-45364432-T-TG. GRCh37 (hg19) VCF-style: chr19-45867690-T-TG.
Other names: c.637dup, p.His213fs (NM_001130867.2); short protein forms H213fs, H237fs.
Identifiers: ClinVar variation 2833415 (VCV002833415.3), dbSNP rs2514031946, ClinGen allele CA2739276871.